The following is an entry in ClinVar:

NM_000038.6(APC):c.4491A>C (p.Pro1497=)

Gene: APC (APC regulator of Wnt signaling pathway; plus strand). Cytogenetic location: 5q22.2.
Variant type: single nucleotide variant.
Coding change: c.4491A>C on transcript NM_000038.6 (MANE Select); coding-DNA position 4491, A replaced by C.
Protein change: p.Pro1497=; no amino-acid change (proline 1497 retained).
Molecular consequence: synonymous variant. On other transcripts: non-coding transcript variant (2).
Genome position (GRCh38, 1-based): chr5:112,840,085, A>C. VCF-style: chr5-112840085-A-C. GRCh37 (hg19) VCF-style: chr5-112175782-A-C.
Other names: c.4491A>C, p.Pro1497= (NM_001127510.3, NM_001354895.2, NM_001407450.1); c.4437A>C, p.Pro1479= (NM_001127511.3); c.4545A>C, p.Pro1515= (NM_001354896.2, NM_001407447.1, NM_001407448.1 and 1 more transcripts); c.4521A>C, p.Pro1507= (NM_001354897.2); c.4416A>C, p.Pro1472= (NM_001354898.2); c.4407A>C, p.Pro1469= (NM_001354899.2); c.4368A>C, p.Pro1456= (NM_001354900.2); c.4314A>C, p.Pro1438= (NM_001354901.2, NM_001407453.1); and 11 more.
Identifiers: ClinVar variation 3148077 (VCV003148077.1), dbSNP rs904213754, ClinGen allele CA446206538.

ClinVar aggregate classification (germline): Benign (1 of 4 stars; one submission).

Conditions:
Familial adenomatous polyposis 1 (FAP1). Also called: POLYPOSIS, ADENOMATOUS INTESTINAL; FAMILIAL ADENOMATOUS POLYPOSIS 1, ATTENUATED. Identifiers: MedGen C2713442, MONDO:0021056, OMIM 175100. Disease mechanism: loss of function.

Submission:

Myriad Genetics, Inc.
Classification: Benign for Familial adenomatous polyposis 1. Last evaluated: 2024-03-27. Review status: criteria provided, single submitter. Criteria: Myriad Autosomal Dominant, Autosomal Recessive and X-Linked Classification Criteria (2023). Collection method: clinical testing. Allele origin: unknown.
Comment: This variant is considered benign. This variant is a silent/synonymous amino acid change and it is not expected to impact splicing.